The following is an entry in ClinVar:

ClinVar aggregate classification (germline): Likely pathogenic (1 of 4 stars; one submission).

Conditions:
Glycogen storage disease IXb (GSD9B). Also called: PHOSPHORYLASE KINASE DEFICIENCY OF LIVER AND MUSCLE, AUTOSOMAL RECESSIVE; GLYCOGENOSIS OF LIVER AND MUSCLE, AUTOSOMAL RECESSIVE; GSD IXb. Identifiers: Orphanet 79240, MedGen C0543514, MONDO:0009868, OMIM 261750.

Submission:

Labcorp Genetics (formerly Invitae), Labcorp
Classification: Likely pathogenic for Glycogen storage disease IXb. Last evaluated: 2022-09-09. Review status: criteria provided, single submitter. Criteria: Invitae Variant Classification Sherloc (09022015). Collection method: clinical testing. Allele origin: germline.
Comment: In summary, the currently available evidence indicates that the variant is pathogenic, but additional data are needed to prove that conclusively. Therefore, this variant has been classified as Likely Pathogenic. This variant has not been reported in the literature in individuals affected with PHKB-related conditions. This variant results in a copy number gain of the genomic region encompassing exon(s) 9-13 of the PHKB gene. While the exact position of this variant cannot be determined from the data, sub-genic copy number gains are generally in tandem (PMID: 25640679). This variant is predicted to be out-of-frame, and may result in an absent or disrupted protein product. Loss-of-function variants in PHKB are known to be pathogenic (PMID: 9215682, 9326319).

Literature cited by the submitters: PubMed 25640679; PubMed 9215682; PubMed 9326319.

NC_000016.9:g.(?_47621559)_(47630462_?)dup

Gene: PHKB (phosphorylase kinase regulatory subunit beta; plus strand). Cytogenetic location: 16q12.1.
Variant type: Duplication.
Identifiers: ClinVar variation 2422830 (VCV002422830.4).